The following is an entry in ClinVar:

NM_020533.3(MCOLN1):c.844del (p.Gln282fs)

Gene: MCOLN1 (mucolipin TRP cation channel 1; plus strand). Cytogenetic location: 19p13.2.
Variant type: Deletion.
Coding change: c.844del on transcript NM_020533.3 (MANE Select); coding-DNA position 844, one base deleted (C; older notation c.844delC).
Protein change: p.Gln282fs; shifts the reading frame from glutamine 282.
Molecular consequence: frameshift variant.
Genome position (GRCh38, 1-based): chr19:7,528,224, C deleted; the last of 2 consecutive C bases (chr19:7,528,223-7,528,224); deleting either gives the same sequence. VCF-style (leftmost placement, unchanged base first): chr19-7528222-TC-T. GRCh37 (hg19) VCF-style: chr19-7593108-TC-T.
Other names: short protein forms Q282fs.
Identifiers: ClinVar variation 4850762 (VCV004850762.1).

ClinVar aggregate classification (germline): Likely pathogenic (1 of 4 stars; one submission).

Conditions:
Mucolipidosis type IV (ML4). Also called: ML IV. Identifiers: Orphanet 578, MedGen C0238286, MONDO:0009653, OMIM 252650.

Submission:

Variantyx, Inc.
Classification: Likely pathogenic for Mucolipidosis type IV. Last evaluated: 2025-04-30. Review status: criteria provided, single submitter. Criteria: Variantyx Assertion Criteria 2022. Collection method: clinical testing. Allele origin: germline. Inheritance: Autosomal recessive inheritance. Affected: yes.
Comment: This is a frameshift variant in the MCOLN1 gene (OMIM: 605248). Pathogenic variants in this gene have been associated with autosomal recessive mucolipidosis IV. This variant introduces a premature termination codon in exon 7 out of 14 and is expected to result in loss of function, which is a known disease mechanism for MCOLN1 in this disorder (PMID: 11030752, 11317355, 37972748 (PVS1). This variant is absent from control populations (PM2), and it has not been reported in individuals with MCOLN1-related disorders in the databases available for review. Based on the current evidence, this variant is classified as likely pathogenic for autosomal recessive mucolipidosis IV.

Literature cited by the submitters: PubMed 11317355; PubMed 11030752; PubMed 37972748.